The following is an entry in ClinVar:

ClinVar aggregate classification (germline): Uncertain significance. Review status: criteria provided, multiple submitters, no conflicts (2 of 4 stars). 2 submissions from 2 submitters: Uncertain significance (2). Last evaluated 2023-08-15.

Conditions:
Developmental and epileptic encephalopathy. Identifiers: MedGen C5779964, MONDO:0100620.
Inborn genetic diseases. Identifiers: MedGen C0950123, MeSH D030342.

Allele frequency attached by ClinVar (database versions not stated): gnomAD exomes 0.00001.
gnomAD v4.1: 7 of 1,608,348 alleles (0.00044%); highest among the groups gnomAD compares: South Asian, 0.0022%; no homozygotes.

Submissions (2):

Ambry Genetics
Classification: Uncertain significance for Inborn genetic diseases. Last evaluated: 2023-08-15. Review status: criteria provided, single submitter. Criteria: Ambry Variant Classification Scheme 2023. Collection method: clinical testing. Allele origin: germline.

Labcorp Genetics (formerly Invitae), Labcorp
Classification: Uncertain significance for Early-infantile DEE. Last evaluated: 2023-07-07. Review status: criteria provided, single submitter. Criteria: Invitae Variant Classification Sherloc (09022015). Collection method: clinical testing. Allele origin: germline.
Comment: Advanced modeling of protein sequence and biophysical properties (such as structural, functional, and spatial information, amino acid conservation, physicochemical variation, residue mobility, and thermodynamic stability) has been performed at Invitae for this missense variant, however the output from this modeling did not meet the statistical confidence thresholds required to predict the impact of this variant on SLC25A22 protein function. In summary, the available evidence is currently insufficient to determine the role of this variant in disease. Therefore, it has been classified as a Variant of Uncertain Significance. ClinVar contains an entry for this variant (Variation ID: 1060240). This variant has not been reported in the literature in individuals affected with SLC25A22-related conditions. This variant is not present in population databases (gnomAD no frequency). This sequence change replaces alanine, which is neutral and non-polar, with valine, which is neutral and non-polar, at codon 296 of the SLC25A22 protein (p.Ala296Val).

NM_001191061.2(SLC25A22):c.887C>T (p.Ala296Val)

Gene: SLC25A22 (solute carrier family 25 member 22; minus strand). Cytogenetic location: 11p15.5.
Variant type: single nucleotide variant.
Coding change: c.887C>T on transcript NM_001191061.2 (MANE Select); coding-DNA position 887, C replaced by T.
Protein change: p.Ala296Val; replaces alanine 296 with valine.
Molecular consequence: missense variant.
Genome position (GRCh38, 1-based): chr11:792,000, G>A on the plus strand (C>T on the coding strand, the complement: SLC25A22 is on the minus strand). VCF-style: chr11-792000-G-A. GRCh37 (hg19) VCF-style: chr11-792000-G-A.
Other names: c.887C>T, p.Ala296Val (NM_001191060.2, NM_024698.6); c.887C>T (NM_024698.5); short protein forms A296V.
Identifiers: ClinVar variation 1060240 (VCV001060240.9), dbSNP rs1565034826, ClinGen allele CA378966822.
Genomic context (GRCh38, chr11:792,000, plus strand): 5'-CCCAGCAGGGACTCCGCGATGCCCAGGAAGTAGACCACCTGTGCGATGCCGAAAAGGGGC[G>A]CGATGACCAGCGCGCGGCAGTAGGCGCCCTTCAGGAAGGCCGAGGGGCCCTCGTGCCGCA-3'
Protein context (NP_001177990.1, residues 286-306): KGAYCRALVI[Ala296Val]PLFGIAQVVY